The following is an entry in ClinVar:

NM_020812.4(DOCK6):c.3995G>C (p.Arg1332Pro)

Genes: DOCK6 (dedicator of cytokinesis 6; minus strand), DOCK6-AS1 (DOCK6 antisense RNA 1; plus strand). Cytogenetic location: 19p13.2.
Variant type: single nucleotide variant.
Coding change: c.3995G>C on transcript NM_020812.4 (MANE Select); coding-DNA position 3995, G replaced by C.
Protein change: p.Arg1332Pro; replaces arginine 1332 with proline.
Molecular consequence: missense variant.
Genome position (GRCh38, 1-based): chr19:11,215,827, C>G on the plus strand (G>C on the coding strand, the complement: DOCK6 is on the minus strand). VCF-style: chr19-11215827-C-G. GRCh37 (hg19) VCF-style: chr19-11326503-C-G.
Other names: c.4100G>C, p.Arg1367Pro (NM_001367830.1); short protein forms R1332P, R1367P.
Identifiers: ClinVar variation 2635901 (VCV002635901.1), dbSNP rs764432170, ClinGen allele CA9207047.

ClinVar aggregate classification (germline): Uncertain significance (1 of 4 stars; one submission).

Conditions:
DOCK6-related disorder. Also called: DOCK6-related condition.

Allele frequency attached by ClinVar (database versions not stated): ExAC 0.00001.
gnomAD v4.1: 1 of 1,613,934 alleles (0.000062%); highest among the groups gnomAD compares: Non-Finnish European, 0.000085%; no homozygotes.

Submission:

PreventionGenetics, part of Exact Sciences
Classification: Uncertain significance for DOCK6-related condition. Last evaluated: 2023-06-16. Review status: criteria provided, single submitter. Criteria: ACMG Guidelines, 2015. Collection method: clinical testing. Allele origin: germline.
Comment: The DOCK6 c.3995G>C variant is predicted to result in the amino acid substitution p.Arg1332Pro. To our knowledge, this variant has not been reported in the literature. This variant is reported in 0.00088% of alleles in individuals of European (Non-Finnish) descent in gnomAD. At this time, the clinical significance of this variant is uncertain due to the absence of conclusive functional and genetic evidence.